The following is an entry in ClinVar:

NM_004364.5(CEBPA):c.546GCC[10] (p.Pro187_Pro189dup)

Gene: CEBPA (CCAAT enhancer binding protein alpha; minus strand). Cytogenetic location: 19q13.11.
Variant type: Microsatellite.
Coding change: c.546GCC[10] on transcript NM_004364.5 (MANE Select); ten copies in a row of the 3-base unit GCC starting at c.546; the reference has seven copies in a row; three copies, 9 bases duplicated.
Protein change: p.Pro187_Pro189dup.
Molecular consequence: inframe insertion.
Genome position (GRCh38, 1-based): chr19:33,301,849-33,301,857, GGCGGCGGC duplicated on the plus strand (GCCGCCGCC on the coding strand, the reverse complement: CEBPA is on the minus strand); duplicating any 9 consecutive bases within chr19:33,301,849-33,301,869 gives the same sequence; the position shown is the placement nearest the transcript's 3' end. VCF-style (leftmost placement, unchanged base first): chr19-33301848-G-GGGCGGCGGC. GRCh37 (hg19) VCF-style: chr19-33792754-G-GGGCGGCGGC.
Other names: c.189GCC[10], p.Pro68_Pro70dup (NM_001285829.2); c.651GCC[10], p.Pro222_Pro224dup (NM_001287424.2); c.504GCC[10], p.Pro173_Pro175dup (NM_001287435.2); c.558_566dupGCCGCCGCC (NM_004364.3).
Identifiers: ClinVar variation 456692 (VCV000456692.11), dbSNP rs746430067, ClinGen allele CA658658804.

ClinVar aggregate classification (germline): Uncertain significance. Review status: criteria provided, multiple submitters, no conflicts (2 of 4 stars). 2 submissions from 2 submitters: Uncertain significance (2). Last evaluated 2025-12-15.

Conditions:
Inborn genetic diseases. Identifiers: MedGen C0950123, MeSH D030342.
Acute myeloid leukemia (AML). Also called: Leukemia, acute myeloid, somatic; Leukemia, acute myelogenous, somatic; Acute myeloid leukemia, adult; AML adult; Acute non-lymphocytic leukemia; Acute granulocytic leukemia. Identifiers: Orphanet 519, MedGen C0023467, MeSH D015470, MONDO:0018874, OMIM 601626, HP:0004808. Disease mechanism: Constitutively activated FLT3.

Submissions (2):

Ambry Genetics
Classification: Uncertain significance for Inborn genetic diseases. Last evaluated: 2025-12-15. Review status: criteria provided, single submitter. Criteria: Ambry Variant Classification Scheme 2023. Collection method: clinical testing. Allele origin: germline.
Comment: The c.558_566dupGCCGCCGCC variant (also known as p.P187_P189dup), located in coding exon 1 of the CEBPA gene, results from an in-frame duplication of GCCGCCGCC at nucleotide positions 558 to 566. This results in the duplication of 3 extra residues (PPP) between codons 187 and 189. This amino acid region is generally well conserved in available vertebrate species. In addition, this variant is predicted to be neutral by in silico analysis (Choi Y et al. PLoS ONE. 2012; 7(10):e46688). Based on the available evidence, the clinical significance of this variant remains unclear.

Labcorp Genetics (formerly Invitae), Labcorp
Classification: Uncertain significance for Acute myeloid leukemia. Last evaluated: 2024-07-08. Review status: criteria provided, single submitter. Criteria: Invitae Variant Classification Sherloc (09022015). Collection method: clinical testing. Allele origin: germline.
Comment: This variant, c.558_566dup, results in the insertion of 3 amino acid(s) of the CEBPA protein (p.Pro187_Pro189dup), but otherwise preserves the integrity of the reading frame. This variant is not present in population databases (gnomAD no frequency). This variant has not been reported in the literature in individuals affected with CEBPA-related conditions. Experimental studies and prediction algorithms are not available or were not evaluated, and the functional significance of this variant is currently unknown. In summary, the available evidence is currently insufficient to determine the role of this variant in disease. Therefore, it has been classified as a Variant of Uncertain Significance.